The following is an entry in ClinVar:

NM_001377299.1(NDUFS2):c.351C>G (p.His117Gln)

Gene: NDUFS2 (NADH:ubiquinone oxidoreductase core subunit S2; plus strand). Cytogenetic location: 1q23.3.
Variant type: single nucleotide variant.
Coding change: c.351C>G on transcript NM_001377299.1 (MANE Select); coding-DNA position 351, C replaced by G.
Protein change: p.His117Gln; replaces histidine 117 with glutamine.
Molecular consequence: missense variant. On other transcripts: non-coding transcript variant (1).
Genome position (GRCh38, 1-based): chr1:161,206,555, C>G. VCF-style: chr1-161206555-C-G. GRCh37 (hg19) VCF-style: chr1-161176345-C-G.
Other names: c.351C>G, p.His117Gln (NM_001166159.2, NM_001377298.1, NM_001377300.1 and 3 more transcripts); short protein forms H117Q.
Identifiers: ClinVar variation 1391900 (VCV001391900.8), dbSNP rs2102037957, ClinGen allele CA343378213.

ClinVar aggregate classification (germline): Uncertain significance (1 of 4 stars; one submission).

Submission:

Labcorp Genetics (formerly Invitae), Labcorp
Classification: Uncertain significance. Last evaluated: 2022-07-12. Review status: criteria provided, single submitter. Criteria: Invitae Variant Classification Sherloc (09022015). Collection method: clinical testing. Allele origin: germline.
Comment: This sequence change replaces histidine, which is basic and polar, with glutamine, which is neutral and polar, at codon 117 of the NDUFS2 protein (p.His117Gln). This variant is not present in population databases (gnomAD no frequency). This variant has not been reported in the literature in individuals affected with NDUFS2-related conditions. ClinVar contains an entry for this variant (Variation ID: 1391900). Algorithms developed to predict the effect of missense changes on protein structure and function are either unavailable or do not agree on the potential impact of this missense change (SIFT: "Deleterious"; PolyPhen-2: "Probably Damaging"; Align-GVGD: "Class C15"). Algorithms developed to predict the effect of sequence changes on RNA splicing suggest that this variant may create or strengthen a splice site. In summary, the available evidence is currently insufficient to determine the role of this variant in disease. Therefore, it has been classified as a Variant of Uncertain Significance.